The following is an entry in ClinVar:

ClinVar aggregate classification (germline): Conflicting classifications of pathogenicity. Review status: criteria provided, conflicting classifications (1 of 4 stars). 5 submissions from 4 submitters: Likely pathogenic (1); Uncertain significance (4). Last evaluated 2025-09-11.

Conditions:
Diabetes mellitus, permanent neonatal 3. Also called: ABCC8-Related Permanent Neonatal Diabetes Mellitus. Identifiers: MedGen C5394303, MONDO:0030088, OMIM 618857.
Transitory neonatal diabetes mellitus. Also called: Transient neonatal diabetes mellitus. Identifiers: MedGen C0342273, MONDO:0020525, HP:0008255.
Maturity-onset diabetes of the young (MODY). Also called: Maturity onset diabetes mellitus in young. Identifiers: Orphanet 552, MedGen C0342276, MONDO:0018911, HP:0004904.

Allele frequency attached by ClinVar (database versions not stated): gnomAD exomes below 0.00001; TOPMed below 0.00001.
gnomAD v4.1: 1 of 1,611,770 alleles (0.000062%); highest among the groups gnomAD compares: East Asian, 0.0022%; no homozygotes.

Submissions (5):

Women's Health and Genetics/Laboratory Corporation of America, LabCorp
Classification: Uncertain significance. Last evaluated: 2025-09-11. Review status: criteria provided, single submitter. Criteria: LabCorp Variant Classification Summary - May 2015. Collection method: clinical testing. Allele origin: germline.
Comment: Variant summary: ABCC8 c.145A>G (p.Ile49Val) results in a conservative amino acid change in the encoded protein sequence. Algorithms developed to predict the effect of missense changes on protein structure and function are either unavailable or do not agree on the potential impact of this missense change. The variant was absent in 245598 control chromosomes. c.145A>G has been observed in at least one individual affected with autosomal dominant ABCC8-related conditions (Internal data). These data do not allow any conclusion about variant significance. To our knowledge, no experimental evidence demonstrating an impact on protein function has been reported. A different variant affecting the same codon has been classified as Pathogenic/Likely pathogenic (c.145A>T, p.I49F; PMID: 21109997, 26208381, 32893419), suggesting a critical role of codon 49 in ABCC8 protein function. ClinVar contains an entry for this variant (Variation ID: 1691230). Based on the evidence outlined above, the variant was classified as VUS-possibly pathogenic.

Victorian Clinical Genetics Services, Murdoch Childrens Research Institute
Classification: Uncertain significance for Diabetes mellitus, permanent neonatal 3. Last evaluated: 2025-03-03. Review status: criteria provided, single submitter. Criteria: ACMG Guidelines, 2015. Collection method: clinical testing. Allele origin: germline.
Comment: This variant is classified as VUS-3A. Evidence in support of pathogenic classification: Variant is present in gnomAD <0.01 (v4: 1 heterozygote(s), 0 homozygote(s)); This variant has limited previous evidence of pathogenicity in an unrelated individual(s). This variant has been classified as likely pathogenic by a clinical laboratory in ClinVar; Another missense variant(s) comparable to the one identified in this case has moderate previous evidence for pathogenicity. p.(Ile49Phe) has been classified as likely pathogenic and as a VUS by clinical laboratories in ClinVar. It has also been reported in the literature in heterozygous individuals with neonatal diabetes syndrome (PMID: 26208381, 21109997); Additional information: Variant is predicted to result in a missense amino acid change from isoleucine to valine; This variant is heterozygous; This gene is known to be associated with both recessive and dominant disease. The ABCC8 gene has been associated with both autosomal recessive and dominant disease (PMID: 32027066); Alternative amino acid change(s) at the same position are present in gnomAD (Highest allele count: v4: 3 heterozygote(s), 0 homozygote(s)); No published segregation evidence has been identified for this variant; No published functional evidence has been identified for this variant; Variant is not located in an established domain, motif, hotspot or informative constraint region; Missense variant with inconclusive in silico prediction and/or uninformative conservation; Loss of function and gain of function are known mechanisms of disease in this gene. Gain of function is associated with diabetes mellitus, noninsulin-dependent (MIM#125853), diabetes mellitus, permanent neonatal 3, with or without neurologic features (MIM#618857) and diabetes mellitus, transient neonatal 2 (MIM#610374), while loss of function is associated with hyperinsulinaemic hypoglycaemia, familial, 1 (MIM#256450) and hypoglycaemia of infancy, leucine-sensitive (MIM#240800) (PMID: 32376986, 32027066) - Variants in this gene are known to have variable expressivity. Variants in this gene have been associated with both permanent and transient diabetes (PMID: 26208381, 32027066).

Labcorp Genetics (formerly Invitae), Labcorp
Classification: Likely pathogenic. Last evaluated: 2024-12-04. Review status: criteria provided, single submitter. Criteria: Invitae Variant Classification Sherloc (09022015). Collection method: clinical testing. Allele origin: germline.
Comment: This sequence change replaces isoleucine, which is neutral and non-polar, with valine, which is neutral and non-polar, at codon 49 of the ABCC8 protein (p.Ile49Val). This variant is not present in population databases (gnomAD no frequency). This missense change has been observed in individual(s) with clinical features of autosomal dominant ABCC8-related conditions (internal data). ClinVar contains an entry for this variant (Variation ID: 1691230). Invitae Evidence Modeling of protein sequence and biophysical properties (such as structural, functional, and spatial information, amino acid conservation, physicochemical variation, residue mobility, and thermodynamic stability) has been performed for this missense variant. However, the output from this modeling did not meet the statistical confidence thresholds required to predict the impact of this variant on ABCC8 protein function. This variant disrupts the p.Ile49 amino acid residue in ABCC8. Other variant(s) that disrupt this residue have been determined to be pathogenic (PMID: 21109997, 26208381, 32893419). This suggests that this residue is clinically significant, and that variants that disrupt this residue are likely to be disease-causing. In summary, the currently available evidence indicates that the variant is pathogenic, but additional data are needed to prove that conclusively. Therefore, this variant has been classified as Likely Pathogenic.

Clinical Genomics, Uppaluri K&H Personalized Medicine Clinic
Classification: Uncertain significance for Maturity-onset diabetes of the young. Review status: criteria provided, single submitter. Criteria: K & H Uppaluri Personalized Medicine Clinic Variant Classification & Assertion Criteria_Updated V.1. Collection method: research. Allele origin: unknown. Inheritance: Somatic mutation.
Comment: Mutations in ABCC8 gene are associated with both neonatal diabetes mellitus as well as MODY. Patients with this mutation may have a better response to sulfonylureas. However, no sufficient evidence is found to ascertain the role of this particular variant (rs1554949196) in MODY yet.

Clinical Genomics, Uppaluri K&H Personalized Medicine Clinic
Classification: Uncertain significance for Transitory neonatal diabetes mellitus. Review status: criteria provided, single submitter. Criteria: K & H Uppaluri Personalized Medicine Clinic Variant Classification & Assertion Criteria_Updated V.1. Collection method: research. Allele origin: unknown. Inheritance: Somatic mutation.
Comment: Mutations in ABCC8 gene are associated with both neonatal diabetes mellitus as well as MODY. Patients with this mutation may have a better response to sulfonylureas. However, no sufficient evidence is found to ascertain the role of this particular variant (rs1554949196) in neonatal diabetes yet.

Literature cited by the submitters: PubMed 32376986 (cited by Victorian Clinical Genetics Services, Murdoch Childrens Research Institute); PubMed 26208381 (cited by Victorian Clinical Genetics Services, Murdoch Childrens Research Institute and Labcorp Genetics (formerly Invitae), Labcorp); PubMed 21109997 (cited by Victorian Clinical Genetics Services, Murdoch Childrens Research Institute and Labcorp Genetics (formerly Invitae), Labcorp); PubMed 32027066 (cited by Victorian Clinical Genetics Services, Murdoch Childrens Research Institute and Clinical Genomics, Uppaluri K&H Personalized Medicine Clinic); PubMed 32893419 (cited by Labcorp Genetics (formerly Invitae), Labcorp); PubMed 16885549 (cited by Clinical Genomics, Uppaluri K&H Personalized Medicine Clinic); PubMed 21989597 (cited by Clinical Genomics, Uppaluri K&H Personalized Medicine Clinic); PubMed 27538677 (cited by Clinical Genomics, Uppaluri K&H Personalized Medicine Clinic); PubMed 18981553 (cited by Clinical Genomics, Uppaluri K&H Personalized Medicine Clinic); PubMed 16613899 (cited by Clinical Genomics, Uppaluri K&H Personalized Medicine Clinic); PubMed 18025408 (cited by Clinical Genomics, Uppaluri K&H Personalized Medicine Clinic); PubMed 32792356 (cited by Clinical Genomics, Uppaluri K&H Personalized Medicine Clinic).

NM_000352.6(ABCC8):c.145A>G (p.Ile49Val)

Gene: ABCC8 (ATP binding cassette subfamily C member 8; minus strand). Cytogenetic location: 11p15.1.
Variant type: single nucleotide variant.
Coding change: c.145A>G on transcript NM_000352.6 (MANE Select); coding-DNA position 145, A replaced by G.
Protein change: p.Ile49Val; replaces isoleucine 49 with valine.
Molecular consequence: missense variant. On other transcripts: non-coding transcript variant (1).
Genome position (GRCh38, 1-based): chr11:17,476,632, T>C on the plus strand (A>G on the coding strand, the complement: ABCC8 is on the minus strand). VCF-style: chr11-17476632-T-C. GRCh37 (hg19) VCF-style: chr11-17498179-T-C.
Other names: c.145A>G, p.Ile49Val (NM_001287174.3, NM_001351295.2, NM_001351296.2 and 1 more transcripts); short protein forms I49V.
Identifiers: ClinVar variation 1691230 (VCV001691230.9), dbSNP rs1554949196, ClinGen allele CA379789751.
Genomic context (GRCh38, chr11:17,476,632, plus strand): 5'-TCCTCCTCCCTCCCTGCTCTCCCGTCCCCTCCTCCGCGGCTCGCTGCGCGCACTCACCAA[T>C]GAAGAGGATGGGGAAGGTGATGAAGAGTAGGAAGACGTGCGGCACCACGTTGAGCGCGTC-3'
Protein context (NP_000343.2, residues 39-59): LLFITFPILF[Ile49Val]GWGSQSSKVH